The following is an entry in ClinVar:

NM_000132.4(F8):c.6399T>C (p.Thr2133=)

Gene: F8 (coagulation factor VIII; minus strand). Cytogenetic location: Xq28.
Variant type: single nucleotide variant.
Coding change: c.6399T>C on transcript NM_000132.4 (MANE Select); coding-DNA position 6399, T replaced by C.
Protein change: p.Thr2133=; no amino-acid change (threonine 2133 retained).
Molecular consequence: synonymous variant.
Genome position (GRCh38, 1-based): chrX:154,896,107, A>G on the plus strand (T>C on the coding strand, the complement: F8 is on the minus strand). VCF-style: chrX-154896107-A-G. GRCh37 (hg19) VCF-style: chrX-154124382-A-G.
Other names: NM_000132.4:c.6399T>C.
Identifiers: ClinVar variation 4849497 (VCV004849497.1).

ClinVar aggregate classification (germline): Likely benign (3 of 4 stars; one submission).

Conditions:
Hereditary factor VIII deficiency disease (HEMA). Also called: HEMOPHILIA, CLASSIC; Hemophilia A; Hemophilia A, congenital; HEM A; Factor 8 deficiency, congenital; AUTOSOMAL HEMOPHILIA A. Identifiers: Orphanet 98878, MedGen C0019069, MONDO:0010602, OMIM 306700.

gnomAD v4.1: 5 of 1,210,802 alleles (0.00041%); highest among the groups gnomAD compares: Admixed American, 0.011%; no homozygotes.

Submission:

ClinGen Coagulation Factor Deficiency Variant Curation Expert Panel, Clingen
Classification: Likely benign for Hereditary factor VIII deficiency disease. Last evaluated: 2026-02-06. Review status: reviewed by expert panel. Criteria: ClinGen CoagFactor ACMG Specifications F8 V1.0.0. Collection method: curation. Allele origin: germline. Inheritance: X-linked inheritance.
Comment: The variant has an MAF of 0.0001086 (5/46023 alleles) with 3 hemizygotes in the Admixed American subpopulation in gnomAD v4.1, meeting the threshold for BS1 (>=0.0000333). The synonymous variant is predicted to have no impact on splicing based on SpliceAI prediction and the nucleotide is not conserved based on agreement between PhyloP and PhastCons scores meeting BP4 and BP7. In summary, this variant meets criteria to be classified as likely benign. ACMG/AMP criteria applied, as specified by the Coagulation Factor Deficiency Variant Curation Expert Panel for F8 Rule Specifications v1.0.0: BS1, BP4, BP7.